The following is an entry in ClinVar:

ClinVar aggregate classification (germline): Pathogenic. Review status: criteria provided, multiple submitters, no conflicts (2 of 4 stars). 7 submissions from 7 submitters: Pathogenic (6). 1 of the submissions does not count toward it. Last evaluated 2024-11-18.

Conditions:
Cardiovascular phenotype. Identifiers: MedGen CN230736.
Hypertrophic cardiomyopathy 6. Identifiers: MedGen C1833236, MONDO:0010946, OMIM 600858.
Lethal congenital glycogen storage disease of heart. Also called: GLYCOGEN STORAGE DISEASE OF HEART; PHOSPHORYLASE KINASE DEFICIENCY OF HEART. Identifiers: Orphanet 439854, MedGen C1849813, MONDO:0009867, OMIM 261740.
Hypertrophic cardiomyopathy. Also called: HYPERTROPHIC MYOCARDIOPATHY. Identifiers: Orphanet 217569, MedGen C0007194, MeSH D002312, MONDO:0005045, HP:0001639.

Submissions (7):

Molecular Diagnostic Laboratory for Inherited Cardiovascular Disease, Montreal Heart Institute
Classification: Pathogenic for Cardiovascular phenotype. Last evaluated: 2024-11-18. Review status: criteria provided, single submitter. Criteria: ACMG Guidelines, 2015. Collection method: clinical testing. Allele origin: germline. Affected: yes.
Comment: PS3, PS4_mod, PM1, PM2, PP1_mod, PP3

Labcorp Genetics (formerly Invitae), Labcorp
Classification: Pathogenic for Lethal congenital glycogen storage disease of heart. Last evaluated: 2024-04-17. Review status: criteria provided, single submitter. Criteria: Invitae Variant Classification Sherloc (09022015). Collection method: clinical testing. Allele origin: germline.
Comment: This sequence change replaces histidine, which is basic and polar, with arginine, which is basic and polar, at codon 530 of the PRKAG2 protein (p.His530Arg). This variant is not present in population databases (gnomAD no frequency). This missense change has been observed in individuals with PRKAG2-related cardiac conditions, including hypertrophic cardiomyopathy and Wolff-Parkinson-White syndrome (PMID: 18403758, 26085771, 28431061; Invitae). It has also been observed to segregate with disease in related individuals. ClinVar contains an entry for this variant (Variation ID: 6854). Advanced modeling of protein sequence and biophysical properties (such as structural, functional, and spatial information, amino acid conservation, physicochemical variation, residue mobility, and thermodynamic stability) has been performed at Invitae for this missense variant, however the output from this modeling did not meet the statistical confidence thresholds required to predict the impact of this variant on PRKAG2 protein function. Experimental studies have shown that this missense change affects PRKAG2 function (PMID: 27573176). For these reasons, this variant has been classified as Pathogenic.

3billion
Classification: Pathogenic for Hypertrophic cardiomyopathy 6. Last evaluated: 2023-11-16. Review status: criteria provided, single submitter. Criteria: ACMG Guidelines, 2015. Collection method: clinical testing. Allele origin: germline. Affected: yes.
Comment: The variant is not observed in the gnomAD v2.1.1 dataset. Predicted Consequence/Location: Missense changes are a common disease-causing mechanism. Functional studies provide strong evidence of the variant having a damaging effect on the gene or gene product (PMID: 27573176). In silico tool predictions suggest damaging effect of the variant on gene or gene product [REVEL: 0.90 (>=0.6, sensitivity 0.68 and specificity 0.92); 3Cnet: 0.91 (>=0.6, sensitivity 0.72 and precision 0.9)]. Same nucleotide change resulting in same amino acid change has been previously reported as pathogenic/likely pathogenic with strong evidence (ClinVar ID: VCV000006854 /PMID: 18403758). A different missense change at the same codon (p.His530Asp) has been reported to be associated with PRKAG2 related disorder (ClinVar ID: VCV000855977). Therefore, this variant is classified as Pathogenic according to the recommendation of ACMG/AMP guideline.

Ambry Genetics
Classification: Pathogenic for Cardiovascular phenotype. Last evaluated: 2021-10-11. Review status: criteria provided, single submitter. Criteria: Ambry Variant Classification Scheme 2023. Collection method: clinical testing. Allele origin: germline.
Comment: The p.H530R pathogenic mutation (also known as c.1589A>G), located in coding exon 15 of the PRKAG2 gene, results from an A to G substitution at nucleotide position 1589. The histidine at codon 530 is replaced by arginine, an amino acid with highly similar properties. This variant has been reported in individuals with hypertrophic cardiomyopathy (HCM), Wolff-Parkinson-White syndrome, and other cardiac arrhythmias, and it has been shown to segregate with disease in affected family members (Morita H et al. N Engl J Med, 2008 May;358:1899-908; Epicoco G et al. JACC Clin Electrophysiol, 2018 10;4:1377-1378; Aggarwal V et al. Ann Pediatr Cardiol;8:153-6; Xie C et al. Cell Res, 2016 Oct;26:1099-1111; Thevenon J et al. Europace, 2017 Apr;19:651-659; Lu C et al. J Transl Med, 2018 08;16:241). Functional studies in transgenic mouse models demonstrated consistent PRKAG2-related cardiac findings, including significant glycogen accumulation (Xie C et al. Cell Res, 2016 Oct;26:1099-1111). This variant is considered to be rare based on population cohorts in the Genome Aggregation Database (gnomAD). In addition, this alteration is predicted to be deleterious by in silico analysis. Based on the supporting evidence, this alteration is interpreted as a disease-causing mutation.

Center for Advanced Laboratory Medicine, UC San Diego Health, University of California San Diego
Classification: Pathogenic for Hypertrophic cardiomyopathy. Last evaluated: 2018-02-07. Review status: criteria provided, single submitter. Criteria: ACMG Guidelines, 2015. Collection method: clinical testing. Allele origin: germline. Affected: yes. Observed: 1 variant allele.

GeneDx
Classification: Pathogenic. Last evaluated: 2012-03-08. Review status: criteria provided, single submitter. Criteria: GeneDx Variant Classification (06012015). Collection method: clinical testing. Allele origin: germline. Affected: yes.
Comment: p.His530Arg (CAT>CGT:c.1598 A>G in exon 15 of the PRKAG2 gene (NM_016203.3) The His530Arg mutation in the PRKAG2 gene has been reported previously in one individual with childhood-onset HCM, and this mutation was absent from >1,000 control alleles. In addition, the NHLBI ESP Exome Variant Server reports His530Arg was not observed in approximately 5,000 samples from individuals of European and African American backgrounds, indicating it is not a common benign variant in these populations. Although His530Arg results in a conservative substitution of one positively charged amino acid for another, the His530 residue is conserved across species. Mutations in a neighboring codon (Arg531Gln, Arg531Gly) have also been reported in association with PRKAG2-related phenotypes, supporting the functional importance of this region of the protein. In summary, the presence of His530Arg in the PRKAG2 gene is consistent with a diagnosis of a PRKAG2-related cardiomyopathy and/or Wolff-Parkinson-White (WPW) syndrome. The variant is found in HCM panel(s).

OMIM
Classification: Pathogenic for CARDIOMYOPATHY, FAMILIAL HYPERTROPHIC, 6. Last evaluated: 2008-05-01. Review status: no assertion criteria provided. Collection method: literature only. Allele origin: germline. Not counted in ClinVar's aggregate classification.

Literature cited by the submitters: PubMed 18403758 (cited by 4 submitters); PubMed 26085771 (cited by Labcorp Genetics (formerly Invitae), Labcorp and Ambry Genetics); PubMed 28431061 (cited by Labcorp Genetics (formerly Invitae), Labcorp and Ambry Genetics); PubMed 27573176 (cited by 3 submitters); PubMed 30165862 (cited by Ambry Genetics); PubMed 30336887 (cited by Ambry Genetics); PubMed 32314121 (cited by Ambry Genetics).

NM_016203.4(PRKAG2):c.1589A>G (p.His530Arg)

Gene: PRKAG2 (protein kinase AMP-activated non-catalytic subunit gamma 2; minus strand). Cytogenetic location: 7q36.1.
Variant type: single nucleotide variant.
Coding change: c.1589A>G on transcript NM_016203.4 (MANE Select); coding-DNA position 1589, A replaced by G.
Protein change: p.His530Arg; replaces histidine 530 with arginine.
Molecular consequence: missense variant.
Genome position (GRCh38, 1-based): chr7:151,560,613, T>C on the plus strand (A>G on the coding strand, the complement: PRKAG2 is on the minus strand). VCF-style: chr7-151560613-T-C. GRCh37 (hg19) VCF-style: chr7-151257699-T-C.
Other names: p.H530R:CAT>CGT; c.1457A>G, p.His486Arg (NM_001040633.2); c.1214A>G, p.His405Arg (NM_001304527.2); c.866A>G, p.His289Arg (NM_001304531.2, NM_024429.2); c.1217A>G, p.His406Arg (NM_001363698.2); short protein forms H530R, H406R, H289R, H486R, H405R.
Identifiers: ClinVar variation 6854 (VCV000006854.14), dbSNP rs267606977, ClinGen allele CA013864.
Genomic context (GRCh38, chr7:151,560,613, plus strand): 5'-ATGTCCGACAGGGAAATAATACCCACAATACTATCTGCTTCATTTACCACCACCAGCCGA[T>C]GGACCTGCAAAGAGAAAAGCAGGACACGTGAAAATTAACATTTAAAAAAGGTTTAAAATG-3'
Protein context (NP_057287.2, residues 520-540): IVDRIVRAEV[His530Arg]RLVVVNEADS